The following is an entry in ClinVar:

ClinVar aggregate classification (germline): Uncertain significance (1 of 4 stars; one submission).

Conditions:
Emery-Dreifuss muscular dystrophy 5, autosomal dominant (EDMD5). Also called: EMERY-DREIFUSS MUSCULAR DYSTROPHY 5. Identifiers: Orphanet 261, MedGen C2751805, MONDO:0013072, OMIM 612999.

Allele frequency attached by ClinVar (database versions not stated): gnomAD 0.00001 and 0.00002; TOPMed 0.00001; gnomAD exomes 0.00003 and 0.00006; ExAC 0.00005.
gnomAD v4.1: 51 of 1,613,880 alleles (0.0032%); highest among the groups gnomAD compares: South Asian, 0.049%; 1 homozygote.

Submission:

Labcorp Genetics (formerly Invitae), Labcorp
Classification: Uncertain significance for Emery-Dreifuss muscular dystrophy 5, autosomal dominant. Last evaluated: 2024-01-21. Review status: criteria provided, single submitter. Criteria: Invitae Variant Classification Sherloc (09022015). Collection method: clinical testing. Allele origin: germline.
Comment: This sequence change falls in intron 18 of the SYNE2 gene. It does not directly change the encoded amino acid sequence of the SYNE2 protein. It affects a nucleotide within the consensus splice site. This variant is present in population databases (rs754264426, gnomAD 0.04%), and has an allele count higher than expected for a pathogenic variant. This variant has not been reported in the literature in individuals affected with SYNE2-related conditions. ClinVar contains an entry for this variant (Variation ID: 938784). Variants that disrupt the consensus splice site are a relatively common cause of aberrant splicing (PMID: 17576681, 9536098). Algorithms developed to predict the effect of sequence changes on RNA splicing suggest that this variant is not likely to affect RNA splicing. In summary, the available evidence is currently insufficient to determine the role of this variant in disease. Therefore, it has been classified as a Variant of Uncertain Significance.

Literature cited by the submitters: PubMed 17576681; PubMed 9536098.

NM_182914.3(SYNE2):c.2152-3T>C

Gene: SYNE2 (spectrin repeat containing nuclear envelope protein 2; plus strand). Cytogenetic location: 14q23.2.
Variant type: single nucleotide variant.
Coding change: c.2152-3T>C on transcript NM_182914.3 (MANE Select); 3 bases into the intron before coding-DNA position 2152, T replaced by C.
Molecular consequence: intron variant.
Genome position (GRCh38, 1-based): chr14:63,986,453, T>C. VCF-style: chr14-63986453-T-C. GRCh37 (hg19) VCF-style: chr14-64453171-T-C.
Other names: c.2152-3T>C (NM_015180.6).
Identifiers: ClinVar variation 938784 (VCV000938784.7), dbSNP rs754264426, ClinGen allele CA7219628.